The following is an entry in ClinVar:

ClinVar aggregate classification (germline): Benign/Likely benign. Review status: criteria provided, multiple submitters, no conflicts (2 of 4 stars). 18 submissions from 17 submitters: Benign (12); Likely benign (3). 3 of the submissions do not count toward it. Last evaluated 2026-02-04.

Conditions:
Arrhythmogenic right ventricular dysplasia 2. Identifiers: MedGen C1832931.
Catecholaminergic polymorphic ventricular tachycardia 1. Also called: VENTRICULAR TACHYCARDIA, STRESS-INDUCED POLYMORPHIC 1; VENTRICULAR TACHYCARDIA, CATECHOLAMINERGIC POLYMORPHIC, 1, WITH OR WITHOUT ATRIAL DYSFUNCTION AND/OR DILATED CARDIOMYOPATHY; RYR2-Related Catecholaminergic Polymorphic Ventricular Tachycardia. Identifiers: Orphanet 3286, MedGen C1631597, MONDO:0011484, OMIM 604772.
Ventricular arrhythmias due to cardiac ryanodine receptor calcium release deficiency syndrome. Also called: Autosomal dominant cardiac arrhythmia (Kuhn). Identifiers: MedGen C5542154, MONDO:0020745, OMIM 115000.
Cardiovascular phenotype. Identifiers: MedGen CN230736.
Cardiomyopathy (CMYO). Also called: Cardiomyopathies. Identifiers: Orphanet 167848, MedGen C0878544, MONDO:0004994, HP:0001638. Inheritance: Various modes of inheritance.
Catecholaminergic polymorphic ventricular tachycardia (CVPT). Also called: Catecholamine-induced polymorphic ventricular tachycardia. Identifiers: Orphanet 3286, MedGen C5574922, MONDO:0017990.

Allele frequency attached by ClinVar (database versions not stated): gnomAD exomes 0.00058 and 0.00212; gnomAD 0.00071 and 0.00107; TOPMed 0.00095; ExAC 0.00187; 1000 Genomes Project 30x 0.00640; 1000 Genomes Project 0.00679; ESP Exome Variant Server 0.00016.
gnomAD v4.1: 1,102 of 1,613,982 alleles (0.068%); highest among the groups gnomAD compares: East Asian, 1.6%; 20 homozygotes.

Submissions (18):

Labcorp Genetics (formerly Invitae), Labcorp
Classification: Benign for Catecholaminergic polymorphic ventricular tachycardia 1. Last evaluated: 2026-02-04. Review status: criteria provided, single submitter. Criteria: Invitae Variant Classification Sherloc (09022015). Collection method: clinical testing. Allele origin: germline.

ARUP Laboratories, Molecular Genetics and Genomics, ARUP Laboratories
Classification: Benign. Last evaluated: 2025-04-21. Review status: criteria provided, single submitter. Criteria: ARUP Molecular Germline Variant Investigation Process 2024. Collection method: clinical testing. Allele origin: germline.

Molecular Diagnostic Laboratory for Inherited Cardiovascular Disease, Montreal Heart Institute
Classification: Benign. Last evaluated: 2025-04-09. Review status: criteria provided, single submitter. Criteria: ACMG Guidelines, 2015. Collection method: clinical testing. Allele origin: germline. Affected: no.

All of Us Research Program, National Institutes of Health
Classification: Benign for Catecholaminergic polymorphic ventricular tachycardia. Last evaluated: 2024-02-05. Review status: criteria provided, single submitter. Criteria: ACMG Guidelines, 2015. Collection method: clinical testing. Allele origin: germline. Inheritance: Autosomal dominant inheritance. Observed: 175 variant alleles, 171 heterozygotes, 4 homozygotes.
Comment: This study involves interpretation of variants in research participants for the purpose of population health screening. Participant phenotype was not available at the time of variant classification. Additional details can be found in publication PMID: 35346344, PMCID: PMC8962531

Fulgent Genetics
Classification: Likely benign for Ventricular arrhythmias due to cardiac ryanodine receptor calcium release deficiency syndrome; Catecholaminergic polymorphic ventricular tachycardia 1. Last evaluated: 2021-08-31. Review status: criteria provided, single submitter. Criteria: ACMG Guidelines, 2015. Collection method: clinical testing. Allele origin: unknown.

Mayo Clinic Laboratories, Mayo Clinic
Classification: Benign. Last evaluated: 2020-08-05. Review status: criteria provided, single submitter. Criteria: ACMG Guidelines, 2015. Collection method: clinical testing. Allele origin: germline. Observed: 2 variant alleles.

Color Diagnostics, LLC DBA Color Health
Classification: Benign for Cardiomyopathy. Last evaluated: 2018-03-15. Review status: criteria provided, single submitter. Criteria: ACMG Guidelines, 2015. Collection method: clinical testing. Allele origin: germline.

Illumina Laboratory Services, Illumina
Classification: Benign for Catecholaminergic polymorphic ventricular tachycardia 1. Last evaluated: 2018-01-13. Review status: criteria provided, single submitter. Criteria: ICSL Variant Classification Criteria 13 December 2019. Collection method: clinical testing. Allele origin: germline.
Comment: This variant was observed in the ICSL laboratory as part of a predisposition screen in an ostensibly healthy population. It had not been previously curated by ICSL or reported in the Human Gene Mutation Database (HGMD: prior to June 1st, 2018), and was therefore a candidate for classification through an automated scoring system. Utilizing variant allele frequency, disease prevalence and penetrance estimates, and inheritance mode, an automated score was calculated to assess if this variant is too frequent to cause the disease. Based on the score and internal cut-off values, a variant classified as benign is not then subjected to further curation. The score for this variant resulted in a classification of benign for this disease.

Illumina Laboratory Services, Illumina
Classification: Likely benign for Catecholaminergic polymorphic ventricular tachycardia 1. Last evaluated: 2018-01-13. Review status: criteria provided, single submitter. Criteria: ICSL Variant Classification Criteria 13 December 2019. Collection method: clinical testing. Allele origin: germline.
Comment: This variant was observed in the ICSL laboratory as part of a predisposition screen in an ostensibly healthy population. It had not been previously curated by ICSL or reported in the Human Gene Mutation Database (HGMD: prior to June 1st, 2018), and was therefore a candidate for classification through an automated scoring system. Utilizing variant allele frequency, disease prevalence and penetrance estimates, and inheritance mode, an automated score was calculated to assess if this variant is too frequent to cause the disease. Based on the score and internal cut-off values, a variant classified as likely benign is not then subjected to further curation. The score for this variant resulted in a classification of likely benign for this disease.

CHEO Genetics Diagnostic Laboratory, Children's Hospital of Eastern Ontario
Classification: Benign for Cardiomyopathy. Last evaluated: 2016-11-21. Review status: criteria provided, single submitter. Criteria: ACMG Guidelines, 2015. Collection method: clinical testing. Allele origin: germline. Study: Canadian Open Genetics Repository.

Laboratory for Molecular Medicine, Mass General Brigham Personalized Medicine
Classification: Benign. Last evaluated: 2015-03-30. Review status: criteria provided, single submitter. Criteria: LMM Criteria. Collection method: clinical testing. Allele origin: germline. Observed: 6 variant alleles.
Comment: p.Asp1010Asp in exon 26 of RYR2: This variant is not expected to have clinical s ignificance because it does not alter an amino acid residue, is not located with in the splice consensus sequence, and has been identified in 2.2% (189/8610) of East Asian chromosomes by the Exome Aggregation Consortium (ExAC; dbSNP rs138064129).

Ambry Genetics
Classification: Benign for Cardiovascular phenotype. Last evaluated: 2015-03-11. Review status: criteria provided, single submitter. Criteria: Ambry Variant Classification Scheme 2023. Collection method: clinical testing. Allele origin: germline.

GeneDx
Classification: Benign. Last evaluated: 2015-03-03. Review status: criteria provided, single submitter. Criteria: GeneDx Variant Classification Process June 2021. Collection method: clinical testing. Allele origin: germline. Affected: yes.

Eurofins Ntd Llc (ga)
Classification: Benign. Last evaluated: 2014-11-10. Review status: criteria provided, single submitter. Criteria: EGL Classification Definitions 2015. Collection method: clinical testing. Allele origin: germline. Observed: 1 variant allele, 1 heterozygote.

Breakthrough Genomics
Classification: Likely benign. Review status: criteria provided, single submitter. Criteria: ACMG Guidelines, 2015. Collection method: not provided. Allele origin: germline. Inheritance: Autosomal dominant inheritance. Affected: yes.

Clinical Genetics DNA and cytogenetics Diagnostics Lab, Erasmus MC, Erasmus Medical Center
Classification: Benign. Review status: no assertion criteria provided. Collection method: clinical testing. Allele origin: germline. Affected: yes. Study: VKGL Data-share Consensus. Not counted in ClinVar's aggregate classification.

Clinical Genetics, Academic Medical Center
Classification: Benign. Review status: no assertion criteria provided. Collection method: clinical testing. Allele origin: germline. Affected: yes. Study: VKGL Data-share Consensus. Not counted in ClinVar's aggregate classification.

Diagnostic Laboratory, Department of Genetics, University Medical Center Groningen
Classification: Likely benign. Review status: no assertion criteria provided. Collection method: clinical testing. Allele origin: germline. Affected: yes. Study: VKGL Data-share Consensus. Not counted in ClinVar's aggregate classification.

NM_001035.3(RYR2):c.3030T>C (p.Asp1010=)

Gene: RYR2 (ryanodine receptor 2; plus strand). Cytogenetic location: 1q43.
Variant type: single nucleotide variant.
Coding change: c.3030T>C on transcript NM_001035.3 (MANE Select); coding-DNA position 3030, T replaced by C.
Protein change: p.Asp1010=; no amino-acid change (aspartic acid 1010 retained).
Molecular consequence: synonymous variant.
Genome position (GRCh38, 1-based): chr1:237,548,554, T>C. VCF-style: chr1-237548554-T-C. GRCh37 (hg19) VCF-style: chr1-237711854-T-C.
Other names: p.Asp1010=.
Identifiers: ClinVar variation 43764 (VCV000043764.44), dbSNP rs138064129, ClinGen allele CA009017.